The following is an entry in ClinVar:

ClinVar aggregate classification (germline): Uncertain significance. Review status: criteria provided, multiple submitters, no conflicts (2 of 4 stars). 3 submissions from 3 submitters: Uncertain significance (2). 1 of the submissions does not count toward it. Last evaluated 2024-05-06.

Conditions:
Cone-rod dystrophy 2 (CORD2). Also called: CONE-ROD RETINAL DYSTROPHY; Cone-rod retinal dystrophy 2. Identifiers: Orphanet 1872, MedGen C3489532, MONDO:0007362, OMIM 120970.
Leber congenital amaurosis 7 (LCA7). Identifiers: Orphanet 65, MedGen C3151192, MONDO:0013449, OMIM 613829.
Retinitis pigmentosa (RP). Identifiers: Orphanet 791, MedGen C0035334, MeSH D012174, MONDO:0019200, OMIM 268000. Inheritance: Autosomal dominant, autosomal recessive and X linked inheritance.

Allele frequency attached by ClinVar (database versions not stated): TOPMed below 0.00001.
gnomAD v4.1: 4 of 1,614,038 alleles (0.00025%); highest among the groups gnomAD compares: East Asian, 0.0089%; no homozygotes.

Submissions (3):

Labcorp Genetics (formerly Invitae), Labcorp
Classification: Uncertain significance for Cone-rod dystrophy 2; Leber congenital amaurosis 7. Last evaluated: 2024-05-06. Review status: criteria provided, single submitter. Criteria: Invitae Variant Classification Sherloc (09022015). Collection method: clinical testing. Allele origin: germline.
Comment: This sequence change replaces glutamine, which is neutral and polar, with histidine, which is basic and polar, at codon 228 of the CRX protein (p.Gln228His). This variant is present in population databases (rs756105390, gnomAD 0.01%). This missense change has been observed in individual(s) with clinical features of CRX-related conditions (PMID: 30718709, 31626798). ClinVar contains an entry for this variant (Variation ID: 636021). Advanced modeling of protein sequence and biophysical properties (such as structural, functional, and spatial information, amino acid conservation, physicochemical variation, residue mobility, and thermodynamic stability) performed at Invitae indicates that this missense variant is not expected to disrupt CRX protein function with a negative predictive value of 80%. In summary, the available evidence is currently insufficient to determine the role of this variant in disease. Therefore, it has been classified as a Variant of Uncertain Significance.

Blueprint Genetics
Classification: Uncertain significance. Last evaluated: 2019-10-04. Review status: criteria provided, single submitter. Criteria: ACMG Guidelines, 2015. Collection method: clinical testing. Allele origin: germline.

Department of Clinical Genetics, Copenhagen University Hospital, Rigshospitalet
Classification: Likely pathogenic for Retinitis pigmentosa. Last evaluated: 2018-04-01. Review status: no assertion criteria provided. Collection method: research. Allele origin: unknown. Affected: yes. Study: VeluxRD. Not counted in ClinVar's aggregate classification.

Literature cited by the submitters: PubMed 30718709 (cited by Labcorp Genetics (formerly Invitae), Labcorp and Department of Clinical Genetics, Copenhagen University Hospital, Rigshospitalet); PubMed 31626798 (cited by Labcorp Genetics (formerly Invitae), Labcorp).

NM_000554.6(CRX):c.684G>C (p.Gln228His)

Gene: CRX (cone-rod homeobox; plus strand). Cytogenetic location: 19q13.33.
Variant type: single nucleotide variant.
Coding change: c.684G>C on transcript NM_000554.6 (MANE Select); coding-DNA position 684, G replaced by C.
Protein change: p.Gln228His; replaces glutamine 228 with histidine.
Molecular consequence: missense variant.
Genome position (GRCh38, 1-based): chr19:47,839,751, G>C. VCF-style: chr19-47839751-G-C. GRCh37 (hg19) VCF-style: chr19-48343008-G-C.
Other names: short protein forms Q228H.
Identifiers: ClinVar variation 636021 (VCV000636021.7), dbSNP rs756105390, ClinGen allele CA9544556.